The following is an entry in ClinVar:

ClinVar aggregate classification (germline): Likely benign. Review status: criteria provided, multiple submitters, no conflicts (2 of 4 stars). 4 submissions from 4 submitters: Likely benign (4). Last evaluated 2026-01-04.

Conditions:
Inborn genetic diseases. Identifiers: MedGen C0950123, MeSH D030342.

Allele frequency attached by ClinVar (database versions not stated): 1000 Genomes Project 30x 0.00016; ExAC 0.00018; gnomAD exomes 0.00018 and 0.00029; 1000 Genomes Project 0.00020; ESP Exome Variant Server 0.00038.
gnomAD v4.1: 454 of 1,614,176 alleles (0.028%); highest among the groups gnomAD compares: Non-Finnish European, 0.037%; no homozygotes.

Submissions (4):

Labcorp Genetics (formerly Invitae), Labcorp
Classification: Likely benign. Last evaluated: 2026-01-04. Review status: criteria provided, single submitter. Criteria: Invitae Variant Classification Sherloc (09022015). Collection method: clinical testing. Allele origin: germline.

CeGaT Center for Human Genetics Tuebingen
Classification: Likely benign. Last evaluated: 2025-06-01. Review status: criteria provided, single submitter. Criteria: CeGaT Center For Human Genetics Tuebingen Variant Classification Criteria Version 2. Collection method: clinical testing. Allele origin: germline. Affected: yes. Observed: 4 variant alleles.
Comment: KCNQ5: BS2

Blueprint Genetics
Classification: Likely benign. Last evaluated: 2023-09-18. Review status: criteria provided, single submitter. Criteria: ACMG Guidelines, 2015. Collection method: clinical testing. Allele origin: germline.

Ambry Genetics
Classification: Likely benign for Inborn genetic diseases. Last evaluated: 2022-12-15. Review status: criteria provided, single submitter. Criteria: Ambry Variant Classification Scheme 2023. Collection method: clinical testing. Allele origin: germline.

NM_019842.4(KCNQ5):c.2721G>T (p.Arg907Ser)

Gene: KCNQ5 (potassium voltage-gated channel subfamily Q member 5; plus strand). Cytogenetic location: 6q13.
Variant type: single nucleotide variant.
Coding change: c.2721G>T on transcript NM_019842.4 (MANE Select); coding-DNA position 2721, G replaced by T.
Protein change: p.Arg907Ser; replaces arginine 907 with serine.
Molecular consequence: missense variant.
Genome position (GRCh38, 1-based): chr6:73,195,336, G>T. VCF-style: chr6-73195336-G-T. GRCh37 (hg19) VCF-style: chr6-73905059-G-T.
Other names: c.2778G>T (NM_001160133.1); c.2694G>T, p.Arg898Ser (NM_001160130.2); c.2751G>T, p.Arg917Ser (NM_001160132.2); c.2778G>T, p.Arg926Ser (NM_001160133.2); c.2391G>T, p.Arg797Ser (NM_001160134.2); short protein forms R797S, R898S, R907S, R917S, R926S.
Identifiers: ClinVar variation 1561224 (VCV001561224.33), dbSNP rs150944490, ClinGen allele CA3887320.